The following is an entry in ClinVar:

ClinVar aggregate classification (germline): Uncertain significance (1 of 4 stars; one submission).

Submission:

Ambry Genetics
Classification: Uncertain significance. Last evaluated: 2023-10-12. Review status: criteria provided, single submitter. Criteria: Ambry Variant Classification Scheme 2023. Collection method: clinical testing. Allele origin: germline.
Comment: The p.A1254E variant (also known as c.3761C>A), located in coding exon 16 of the POLQ gene, results from a C to A substitution at nucleotide position 3761. The alanine at codon 1254 is replaced by glutamic acid, an amino acid with dissimilar properties. This amino acid position is conserved. In addition, this alteration is predicted to be tolerated by in silico analysis. Since supporting evidence is limited at this time, the clinical significance of this alteration remains unclear.

NM_199420.4(POLQ):c.3761C>A (p.Ala1254Glu)

Gene: POLQ (DNA polymerase theta; minus strand). Cytogenetic location: 3q13.33.
Variant type: single nucleotide variant.
Coding change: c.3761C>A on transcript NM_199420.4 (MANE Select); coding-DNA position 3761, C replaced by A.
Protein change: p.Ala1254Glu; replaces alanine 1254 with glutamic acid.
Molecular consequence: missense variant.
Genome position (GRCh38, 1-based): chr3:121,489,170, G>T on the plus strand (C>A on the coding strand, the complement: POLQ is on the minus strand). VCF-style: chr3-121489170-G-T. GRCh37 (hg19) VCF-style: chr3-121208017-G-T.
Other names: short protein forms A1254E.
Identifiers: ClinVar variation 3229961 (VCV003229961.1), dbSNP rs2546786973, ClinGen allele CA354097431.